The following is an entry in ClinVar:

NM_001035.3(RYR2):c.8727C>G (p.Asp2909Glu)

Gene: RYR2 (ryanodine receptor 2; plus strand). Cytogenetic location: 1q43.
Variant type: single nucleotide variant.
Coding change: c.8727C>G on transcript NM_001035.3 (MANE Select); coding-DNA position 8727, C replaced by G.
Protein change: p.Asp2909Glu; replaces aspartic acid 2909 with glutamic acid.
Molecular consequence: missense variant.
Genome position (GRCh38, 1-based): chr1:237,674,743, C>G. VCF-style: chr1-237674743-C-G. GRCh37 (hg19) VCF-style: chr1-237838043-C-G.
Other names: short protein forms D2909E.
Identifiers: ClinVar variation 1350665 (VCV001350665.4), dbSNP rs1685250255, ClinGen allele CA345403219.

ClinVar aggregate classification (germline): Uncertain significance (1 of 4 stars; one submission).

Conditions:
Catecholaminergic polymorphic ventricular tachycardia 1. Also called: VENTRICULAR TACHYCARDIA, CATECHOLAMINERGIC POLYMORPHIC, 1, WITH OR WITHOUT ATRIAL DYSFUNCTION AND/OR DILATED CARDIOMYOPATHY; VENTRICULAR TACHYCARDIA, STRESS-INDUCED POLYMORPHIC 1; RYR2-Related Catecholaminergic Polymorphic Ventricular Tachycardia. Identifiers: Orphanet 3286, MedGen C1631597, MONDO:0011484, OMIM 604772.

Allele frequency attached by ClinVar (database versions not stated): TOPMed 0.00001.

Submission:

Labcorp Genetics (formerly Invitae), Labcorp
Classification: Uncertain significance for Catecholaminergic polymorphic ventricular tachycardia 1. Last evaluated: 2021-10-07. Review status: criteria provided, single submitter. Criteria: Invitae Variant Classification Sherloc (09022015). Collection method: clinical testing. Allele origin: germline.
Comment: This sequence change replaces aspartic acid with glutamic acid at codon 2909 of the RYR2 protein (p.Asp2909Glu). The aspartic acid residue is highly conserved and there is a small physicochemical difference between aspartic acid and glutamic acid. This variant is not present in population databases (ExAC no frequency). This variant has not been reported in the literature in individuals affected with RYR2-related conditions. Advanced modeling of protein sequence and biophysical properties (such as structural, functional, and spatial information, amino acid conservation, physicochemical variation, residue mobility, and thermodynamic stability) performed at Invitae indicates that this missense variant is not expected to disrupt RYR2 protein function. In summary, the available evidence is currently insufficient to determine the role of this variant in disease. Therefore, it has been classified as a Variant of Uncertain Significance.